The following is an entry in ClinVar:

ClinVar aggregate classification (germline): Conflicting classifications of pathogenicity. Review status: criteria provided, conflicting classifications (1 of 4 stars). 4 submissions from 4 submitters: Uncertain significance (3); Likely benign (1). Last evaluated 2024-05-23.

Conditions:
Neuroblastoma, susceptibility to, 3. Also called: ALK-Related Neuroblastic Tumor Susceptibility. Identifiers: Orphanet 635, MedGen C2751681, MONDO:0013083, OMIM 613014.
Hereditary cancer-predisposing syndrome. Also called: Hereditary Cancer Syndrome; Neoplastic Syndromes, Hereditary; Hereditary neoplastic syndrome; Tumor predisposition. Identifiers: Orphanet 140162, MedGen C0027672, MeSH D009386, MONDO:0015356.

Allele frequency attached by ClinVar (database versions not stated): ExAC 0.00002.
gnomAD v4.1: 11 of 1,613,942 alleles (0.00068%); highest among the groups gnomAD compares: South Asian, 0.011%; no homozygotes.

Submissions (4):

Fulgent Genetics
Classification: Uncertain significance for Neuroblastoma, susceptibility to, 3. Last evaluated: 2024-05-23. Review status: criteria provided, single submitter. Criteria: ACMG Guidelines, 2015. Collection method: clinical testing. Allele origin: germline.

Labcorp Genetics (formerly Invitae), Labcorp
Classification: Uncertain significance for Neuroblastoma, susceptibility to, 3. Last evaluated: 2023-11-07. Review status: criteria provided, single submitter. Criteria: Invitae Variant Classification Sherloc (09022015). Collection method: clinical testing. Allele origin: germline.
Comment: This sequence change replaces alanine, which is neutral and non-polar, with glutamic acid, which is acidic and polar, at codon 309 of the ALK protein (p.Ala309Glu). This variant is present in population databases (rs748017801, gnomAD 0.02%). This variant has not been reported in the literature in individuals affected with ALK-related conditions. ClinVar contains an entry for this variant (Variation ID: 1993392). Algorithms developed to predict the effect of missense changes on protein structure and function output the following: SIFT: "Not Available"; PolyPhen-2: "Benign"; Align-GVGD: "Not Available". The glutamic acid amino acid residue is found in multiple mammalian species, which suggests that this missense change does not adversely affect protein function. In summary, the available evidence is currently insufficient to determine the role of this variant in disease. Therefore, it has been classified as a Variant of Uncertain Significance.

Baylor Genetics
Classification: Uncertain significance for Neuroblastoma, susceptibility to, 3. Last evaluated: 2023-08-15. Review status: criteria provided, single submitter. Criteria: ACMG Guidelines, 2015. Collection method: clinical testing. Allele origin: unknown.

Ambry Genetics
Classification: Likely benign for Hereditary cancer-predisposing syndrome. Last evaluated: 2023-03-01. Review status: criteria provided, single submitter. Criteria: Ambry Variant Classification Scheme 2023. Collection method: clinical testing. Allele origin: germline.

NM_004304.5(ALK):c.926C>A (p.Ala309Glu)

Gene: ALK (ALK receptor tyrosine kinase; minus strand). Cytogenetic location: 2p23.2.
Variant type: single nucleotide variant.
Coding change: c.926C>A on transcript NM_004304.5 (MANE Select); coding-DNA position 926, C replaced by A.
Protein change: p.Ala309Glu; replaces alanine 309 with glutamic acid.
Molecular consequence: missense variant.
Genome position (GRCh38, 1-based): chr2:29,694,876, G>T on the plus strand (C>A on the coding strand, the complement: ALK is on the minus strand). VCF-style: chr2-29694876-G-T. GRCh37 (hg19) VCF-style: chr2-29917742-G-T.
Other names: c.926C>A (NM_004304.4); short protein forms A309E.
Identifiers: ClinVar variation 1993392 (VCV001993392.8), dbSNP rs748017801, ClinGen allele CA1594813.